The following is an entry in ClinVar:

NM_000179.3(MSH6):c.3308T>G (p.Phe1103Cys)

Gene: MSH6 (mutS homolog 6; plus strand). Cytogenetic location: 2p16.3.
Variant type: single nucleotide variant.
Coding change: c.3308T>G on transcript NM_000179.3 (MANE Select); coding-DNA position 3308, T replaced by G.
Protein change: p.Phe1103Cys; replaces phenylalanine 1103 with cysteine.
Molecular consequence: missense variant.
Genome position (GRCh38, 1-based): chr2:47,803,555, T>G. VCF-style: chr2-47803555-T-G. GRCh37 (hg19) VCF-style: chr2-48030694-T-G.
Other names: c.2918T>G, p.Phe973Cys (NM_001281492.2); c.2402T>G, p.Phe801Cys (NM_001281493.2, NM_001281494.2); short protein forms F1103C, F801C, F973C.
Identifiers: ClinVar variation 495714 (VCV000495714.8), dbSNP rs1553331529, ClinGen allele CA346758575.

ClinVar aggregate classification (germline): Uncertain significance. Review status: criteria provided, multiple submitters, no conflicts (2 of 4 stars). 5 submissions from 5 submitters: Uncertain significance (5). Last evaluated 2024-03-06.

Conditions:
Hereditary cancer-predisposing syndrome. Also called: Tumor predisposition; Neoplastic Syndromes, Hereditary; Hereditary neoplastic syndrome; Hereditary Cancer Syndrome. Identifiers: Orphanet 140162, MedGen C0027672, MeSH D009386, MONDO:0015356.
Endometrial carcinoma. Also called: Endometrial carcinoma, somatic. Identifiers: MedGen C0476089, MONDO:0002447, OMIM 608089, HP:0012114.
Lynch syndrome 5 (LYNCH5). Also called: Colorectal cancer, hereditary nonpolyposis, type 5; Hereditary non-polyposis colorectal cancer, type 5. Identifiers: Orphanet 144, MedGen C1833477, MONDO:0013710, OMIM 614350. Disease mechanism: loss of function.
Mismatch repair cancer syndrome 3. Identifiers: MedGen C5436807, MONDO:0030841, OMIM 619097.
Hereditary nonpolyposis colorectal neoplasms. Identifiers: MedGen C0009405, MeSH D003123.

Submissions (5):

Color Diagnostics, LLC DBA Color Health
Classification: Uncertain significance for Hereditary cancer-predisposing syndrome. Last evaluated: 2024-03-06. Review status: criteria provided, single submitter. Criteria: ACMG Guidelines, 2015. Collection method: clinical testing. Allele origin: germline.
Comment: This missense variant replaces phenylalanine with cysteine at codon 1103 of the MSH6 protein. Computational prediction suggests that this variant may have deleterious impact on protein structure and function (internally defined REVEL score threshold >= 0.7, PMID: 27666373). To our knowledge, functional studies have not been reported for this variant. This variant has not been reported in individuals affected with MSH6-related disorders in the literature. This variant has not been identified in the general population by the Genome Aggregation Database (gnomAD). The available evidence is insufficient to determine the role of this variant in disease conclusively. Therefore, this variant is classified as a Variant of Uncertain Significance.

Department of Pathology and Laboratory Medicine, Sinai Health System
Classification: Uncertain significance for Endometrial carcinoma; Lynch syndrome 5; Mismatch repair cancer syndrome 3. Last evaluated: 2021-09-29. Review status: criteria provided, single submitter. Criteria: ACMG Guidelines, 2015. Collection method: clinical testing. Allele origin: germline. Affected: yes.

Labcorp Genetics (formerly Invitae), Labcorp
Classification: Uncertain significance for Hereditary nonpolyposis colon cancer. Last evaluated: 2019-10-08. Review status: criteria provided, single submitter. Criteria: Invitae Variant Classification Sherloc (09022015). Collection method: clinical testing. Allele origin: germline.
Comment: This sequence change replaces phenylalanine with cysteine at codon 1103 of the MSH6 protein (p.Phe1103Cys). The phenylalanine residue is highly conserved and there is a large physicochemical difference between phenylalanine and cysteine. This variant is not present in population databases (ExAC no frequency). This variant has not been reported in the literature in individuals with MSH6-related conditions. ClinVar contains an entry for this variant (Variation ID: 495714). Algorithms developed to predict the effect of missense changes on protein structure and function (SIFT, PolyPhen-2, Align-GVGD) all suggest that this variant is likely to be disruptive, but these predictions have not been confirmed by published functional studies and their clinical significance is uncertain. In summary, the available evidence is currently insufficient to determine the role of this variant in disease. Therefore, it has been classified as a Variant of Uncertain Significance.

Ambry Genetics
Classification: Uncertain significance for Hereditary cancer-predisposing syndrome. Last evaluated: 2018-06-21. Review status: criteria provided, single submitter. Criteria: Ambry Variant Classification Scheme 2023. Collection method: clinical testing. Allele origin: germline.
Comment: The p.F1103C variant (also known as c.3308T>G), located in coding exon 5 of the MSH6 gene, results from a T to G substitution at nucleotide position 3308. The phenylalanine at codon 1103 is replaced by cysteine, an amino acid with highly dissimilar properties. This amino acid position is highly conserved in available vertebrate species. In addition, this alteration is predicted to be deleterious by in silico analysis. Since supporting evidence is limited at this time, the clinical significance of this alteration remains unclear.

Women's Health and Genetics/Laboratory Corporation of America, LabCorp
Classification: Uncertain significance. Last evaluated: 2016-12-05. Review status: criteria provided, single submitter. Criteria: LabCorp Variant Classification Summary - May 2015. Collection method: clinical testing. Allele origin: germline.
Comment: Variant summary: The MSH6 c.3308T>G (p.Phe1103Cys) variant located in the P-loop containing nucleoside triphosphate hydrolase domain (via InterPro) causes a missense change involving a conserved nucleotide, which 4/5 in silico tools predict a damaging outcome, although these predictions have yet to be functionally assessed. The variant of interest has not been observed in controls (ExAC, 1000 Gs, or ESP), and has not been, to our knowledge, reported in affected individuals via publications and/or clinical diagnostic laboratories/databases. Therefore, until additional information becomes available, the variant of interest has been classified as a "Variant of Uncertain Significance (VUS)."